The following is an entry in ClinVar:

NM_001377.3(DYNC2H1):c.3162del (p.Phe1054fs)

Gene: DYNC2H1 (dynein cytoplasmic 2 heavy chain 1; plus strand). Cytogenetic location: 11q22.3.
Variant type: Deletion.
Coding change: c.3162del on transcript NM_001377.3 (MANE Select); coding-DNA position 3162, one base deleted (T; older notation c.3162delT).
Protein change: p.Phe1054fs; shifts the reading frame from phenylalanine 1054.
Molecular consequence: frameshift variant.
Genome position (GRCh38, 1-based): chr11:103,153,368, T deleted; the last of 3 consecutive T bases (chr11:103,153,366-103,153,368); deleting any one gives the same sequence. VCF-style (leftmost placement, unchanged base first): chr11-103153365-AT-A. GRCh37 (hg19) VCF-style: chr11-103024094-AT-A.
Other names: c.3162del, p.Phe1054fs (NM_001080463.2); short protein forms F1054fs.
Identifiers: ClinVar variation 5014598 (VCV005014598.1).

ClinVar aggregate classification (germline): Pathogenic (1 of 4 stars; one submission).

Conditions:
Asphyxiating thoracic dystrophy 3. Also called: Short rib polydactyly syndrome 2B; Saldino-Noonan Syndrome; SHORT-RIB THORACIC DYSPLASIA 3 WITH OR WITHOUT POLYDACTYLY; POLYDACTYLY WITH NEONATAL CHONDRODYSTROPHY, TYPE I; SHORT-RIB THORACIC DYSPLASIA 3/6 WITH POLYDACTYLY, DIGENIC. Identifiers: Orphanet 474, Orphanet 93269, Orphanet 93270, Orphanet 93271, MedGen C0036069, MONDO:0013127, OMIM 613091.

Submission:

Myriad Genetics, Inc.
Classification: Pathogenic for Asphyxiating thoracic dystrophy 3. Last evaluated: 2025-06-15. Review status: criteria provided, single submitter. Criteria: Myriad Autosomal Dominant, Autosomal Recessive and X-Linked Classification Criteria (2023). Collection method: clinical testing. Allele origin: unknown.
Comment: NM_001377.2(DYNC2H1):c.3162delT(F1054Lfs*8) is expected to be pathogenic in the context of DYNC2H1-related disorders. This variant is predicted to lead to an abnormal or absent protein product due to the creation of a premature termination codon in DYNC2H1, a gene where loss-of-function variants are known to be pathogenic. Please note: this variant was assessed in the context of healthy population screening.